The following is an entry in ClinVar:

NM_030667.3(PTPRO):c.3288C>T (p.Asn1096=)

Gene: PTPRO (protein tyrosine phosphatase receptor type O; plus strand). Cytogenetic location: 12p12.3.
Variant type: single nucleotide variant.
Coding change: c.3288C>T on transcript NM_030667.3 (MANE Select); coding-DNA position 3288, C replaced by T.
Protein change: p.Asn1096=; no amino-acid change (asparagine 1096 retained).
Molecular consequence: synonymous variant.
Genome position (GRCh38, 1-based): chr12:15,586,929, C>T. VCF-style: chr12-15586929-C-T. GRCh37 (hg19) VCF-style: chr12-15739863-C-T.
Other names: c.3204C>T, p.Asn1068= (NM_002848.4); c.771C>T, p.Asn257= (NM_030668.3, NM_030670.3); c.855C>T, p.Asn285= (NM_030669.3, NM_030671.3).
Identifiers: ClinVar variation 3051782 (VCV003051782.3), dbSNP rs746470668, ClinGen allele CA6467143.

ClinVar aggregate classification (germline): Likely benign. Review status: criteria provided, single submitter (1 of 4 stars). 2 submissions from 2 submitters: Likely benign (1). 1 of the submissions does not count toward it. Last evaluated 2025-09-07.

Conditions:
PTPRO-related disorder. Also called: PTPRO-related condition.

Allele frequency attached by ClinVar (database versions not stated): gnomAD 0.00004.
gnomAD v4.1: 121 of 1,613,996 alleles (0.0075%); highest among the groups gnomAD compares: South Asian, 0.12%; 1 homozygote.

Submissions (2):

Labcorp Genetics (formerly Invitae), Labcorp
Classification: Likely benign. Last evaluated: 2025-09-07. Review status: criteria provided, single submitter. Criteria: Invitae Variant Classification Sherloc (09022015). Collection method: clinical testing. Allele origin: germline.

PreventionGenetics, part of Exact Sciences
Classification: Likely benign for PTPRO-related condition. Last evaluated: 2023-12-08. Review status: no assertion criteria provided. Collection method: clinical testing. Allele origin: germline. Not counted in ClinVar's aggregate classification.
Comment: This variant is classified as likely benign based on ACMG/AMP sequence variant interpretation guidelines (Richards et al. 2015 PMID: 25741868, with internal and published modifications).